The following is an entry in ClinVar:

ClinVar aggregate classification (germline): Uncertain significance (1 of 4 stars; one submission).

Allele frequency attached by ClinVar (database versions not stated): gnomAD 0.00001; TOPMed 0.00001.

Submission:

Labcorp Genetics (formerly Invitae), Labcorp
Classification: Uncertain significance. Last evaluated: 2023-06-29. Review status: criteria provided, single submitter. Criteria: Invitae Variant Classification Sherloc (09022015). Collection method: clinical testing. Allele origin: germline.
Comment: In summary, the available evidence is currently insufficient to determine the role of this variant in disease. Therefore, it has been classified as a Variant of Uncertain Significance. Variants that disrupt the consensus splice site are a relatively common cause of aberrant splicing (PMID: 17576681, 9536098). Algorithms developed to predict the effect of sequence changes on RNA splicing suggest that this variant may disrupt the consensus splice site. An algorithm developed to predict the effect of missense changes on protein structure and function (PolyPhen-2) suggests that this variant is likely to be disruptive. ClinVar contains an entry for this variant (Variation ID: 2126018). This variant has not been reported in the literature in individuals affected with EARS2-related conditions. This variant is not present in population databases (gnomAD no frequency). This sequence change replaces glutamine, which is neutral and polar, with histidine, which is basic and polar, at codon 496 of the EARS2 protein (p.Gln496His). This variant also falls at the last nucleotide of exon 8, which is part of the consensus splice site for this exon.

Literature cited by the submitters: PubMed 17576681; PubMed 9536098.

NM_001083614.2(EARS2):c.1488G>T (p.Gln496His)

Gene: EARS2 (glutamyl-tRNA synthetase 2, mitochondrial; minus strand). Cytogenetic location: 16p12.2.
Variant type: single nucleotide variant.
Coding change: c.1488G>T on transcript NM_001083614.2 (MANE Select); coding-DNA position 1488, G replaced by T.
Protein change: p.Gln496His; replaces glutamine 496 with histidine.
Molecular consequence: missense variant. On other transcripts: non-coding transcript variant (1).
Genome position (GRCh38, 1-based): chr16:23,525,244, C>A on the plus strand (G>T on the coding strand, the complement: EARS2 is on the minus strand). VCF-style: chr16-23525244-C-A. GRCh37 (hg19) VCF-style: chr16-23536565-C-A.
Other names: c.1488G>T, p.Gln496His (NM_001308211.1, NM_133451.1); short protein forms Q496H.
Identifiers: ClinVar variation 2126018 (VCV002126018.4), dbSNP rs1230254617, ClinGen allele CA395126457.